The following is an entry in ClinVar:

NC_000010.10:g.(?_90974575)_(90975776_?)del

Gene: LIPA (lipase A, lysosomal acid type; minus strand). Cytogenetic location: 10q23.31.
Variant type: Deletion.
Identifiers: ClinVar variation 1068443 (VCV001068443.1).

ClinVar aggregate classification (germline): Likely pathogenic (1 of 4 stars; one submission).

Conditions:
Wolman disease (WOLD). Also called: LYSOSOMAL ACID LIPASE DEFICIENCY, ACUTE INFANTILE; LYSOSOMAL ACID LIPASE DEFICIENCY, COMPLETE; LIPA DEFICIENCY, COMPLETE; LAL DEFICIENCY, COMPLETE; CHOLESTEROL ESTER HYDROLASE DEFICIENCY, COMPLETE; Infantile-Onset LAL-D (Wolman Disease). Identifiers: Orphanet 75233, MedGen C0043208, MONDO:0019148, OMIM 620151.

Submission:

Labcorp Genetics (formerly Invitae), Labcorp
Classification: Likely pathogenic for Wolman disease. Last evaluated: 2020-06-17. Review status: criteria provided, single submitter. Criteria: Invitae Variant Classification Sherloc (09022015). Collection method: clinical testing. Allele origin: germline.
Comment: This variant is a gross deletion of the genomic region encompassing exons 9-10 of the LIPA gene. The 5' boundary is likely confined to intron 8. The 3' end of this event is unknown as it extends through the termination codon beyond the assayed region for this gene and may encompass additional genes. While this deletion is not anticipated to result in nonsense mediated decay, it is expected to create a truncated protein product or disrupt mRNA translation. This variant has not been reported in the literature in individuals with LIPA-related conditions. This variant disrupts the p.Gly342 amino acid residue in LIPA. Other variant(s) that disrupt this residue have been determined to be pathogenic (PMID: 10562460, 24048164, 28881270, 22227072, 29196158). This suggests that this residue is clinically significant, and that variants that disrupt this residue are likely to be disease-causing. In summary, the currently available evidence indicates that the variant is pathogenic, but additional data are needed to prove that conclusively. Therefore, this variant has been classified as Likely Pathogenic.

Literature cited by the submitters: PubMed 10562460; PubMed 24048164; PubMed 28881270; PubMed 22227072; PubMed 29196158.